The following is an entry in ClinVar:

ClinVar aggregate classification (germline): Uncertain significance (1 of 4 stars; one submission).

gnomAD v4.1: 3 of 1,210,087 alleles (0.00025%); highest among the groups gnomAD compares: Non-Finnish European, 0.00022%; no homozygotes.

Submission:

GeneDx
Classification: Uncertain significance. Last evaluated: 2023-12-02. Review status: criteria provided, single submitter. Criteria: GeneDx Variant Classification Process June 2021. Collection method: clinical testing. Allele origin: germline. Affected: yes.
Comment: Has not been previously published as pathogenic or benign to our knowledge; Not observed at significant frequency in large population cohorts (gnomAD); Located within Pleckstrin homology (PH) domain (PMID: 20473311); In silico analysis supports that this missense variant has a deleterious effect on protein structure/function; This variant is associated with the following publications: (PMID: 20473311)

NM_001111125.3(IQSEC2):c.3053C>T (p.Thr1018Met)

Gene: IQSEC2 (IQ motif and Sec7 domain ArfGEF 2; minus strand). Cytogenetic location: Xp11.22.
Variant type: single nucleotide variant.
Coding change: c.3053C>T on transcript NM_001111125.3 (MANE Select); coding-DNA position 3053, C replaced by T.
Protein change: p.Thr1018Met; replaces threonine 1018 with methionine.
Molecular consequence: missense variant.
Genome position (GRCh38, 1-based): chrX:53,239,257, G>A on the plus strand (C>T on the coding strand, the complement: IQSEC2 is on the minus strand). VCF-style: chrX-53239257-G-A. GRCh37 (hg19) VCF-style: chrX-53268439-G-A.
Other names: c.3053C>T, p.Thr1018Met (NM_001410736.1); c.2438C>T, p.Thr813Met (NM_015075.2); short protein forms T1018M, T813M.
Identifiers: ClinVar variation 3365319 (VCV003365319.1).